The following is an entry in ClinVar:

ClinVar aggregate classification (germline): Uncertain significance (1 of 4 stars; one submission).

Conditions:
Neuropathy, hereditary sensory and autonomic, type 1C. Also called: HSAN IC; HSN IC. Identifiers: Orphanet 36386, MedGen C3150896, MONDO:0013337, OMIM 613640.

Submission:

Labcorp Genetics (formerly Invitae), Labcorp
Classification: Uncertain significance for Neuropathy, hereditary sensory and autonomic, type 1C. Last evaluated: 2023-09-10. Review status: criteria provided, single submitter. Criteria: Invitae Variant Classification Sherloc (09022015). Collection method: clinical testing. Allele origin: germline.
Comment: In summary, the available evidence is currently insufficient to determine the role of this variant in disease. Therefore, it has been classified as a Variant of Uncertain Significance. Advanced modeling of protein sequence and biophysical properties (such as structural, functional, and spatial information, amino acid conservation, physicochemical variation, residue mobility, and thermodynamic stability) performed at Invitae indicates that this missense variant is not expected to disrupt SPTLC2 protein function. This variant has not been reported in the literature in individuals affected with SPTLC2-related conditions. This variant is not present in population databases (gnomAD no frequency). This sequence change replaces aspartic acid, which is acidic and polar, with glycine, which is neutral and non-polar, at codon 147 of the SPTLC2 protein (p.Asp147Gly).

NM_004863.4(SPTLC2):c.440A>G (p.Asp147Gly)

Gene: SPTLC2 (serine palmitoyltransferase long chain base subunit 2; minus strand). Cytogenetic location: 14q24.3.
Variant type: single nucleotide variant.
Coding change: c.440A>G on transcript NM_004863.4 (MANE Select); coding-DNA position 440, A replaced by G.
Protein change: p.Asp147Gly; replaces aspartic acid 147 with glycine.
Molecular consequence: missense variant.
Genome position (GRCh38, 1-based): chr14:77,578,997, T>C on the plus strand (A>G on the coding strand, the complement: SPTLC2 is on the minus strand). VCF-style: chr14-77578997-T-C. GRCh37 (hg19) VCF-style: chr14-78045340-T-C.
Other names: short protein forms D147G.
Identifiers: ClinVar variation 2746037 (VCV002746037.3), dbSNP rs2503518536, ClinGen allele CA390700674.